The following is an entry in ClinVar:

ClinVar aggregate classification (germline): Uncertain significance (1 of 4 stars; one submission).

Conditions:
Hereditary cancer-predisposing syndrome. Also called: Neoplastic Syndromes, Hereditary; Tumor predisposition; Hereditary Cancer Syndrome; Hereditary neoplastic syndrome. Identifiers: Orphanet 140162, MedGen C0027672, MeSH D009386, MONDO:0015356.

Submission:

Ambry Genetics
Classification: Uncertain significance for Hereditary cancer-predisposing syndrome. Last evaluated: 2026-05-28. Review status: criteria provided, single submitter. Criteria: Ambry Variant Classification Scheme 2023. Collection method: clinical testing. Allele origin: germline.
Comment: The p.W2504C variant (also known as c.7512G>T), located in coding exon 15 of the APC gene, results from a G to T substitution at nucleotide position 7512. The tryptophan at codon 2504 is replaced by cysteine, an amino acid with highly dissimilar properties. This amino acid position is well conserved in available vertebrate species. In addition, in silico predictors for this gene do not accurately predict pathogenicity. Missense variants in APC are not a common cause of disease (Spier I et al. Genet Med. 2024 Feb;26(2):100992). Based on the available evidence, the clinical significance of this variant remains unclear.

NM_000038.6(APC):c.7512G>T (p.Trp2504Cys)

Gene: APC (APC regulator of Wnt signaling pathway; plus strand). Cytogenetic location: 5q22.2.
Variant type: single nucleotide variant.
Coding change: c.7512G>T on transcript NM_000038.6 (MANE Select); coding-DNA position 7512, G replaced by T.
Protein change: p.Trp2504Cys; replaces tryptophan 2504 with cysteine.
Molecular consequence: missense variant. On other transcripts: non-coding transcript variant (2).
Genome position (GRCh38, 1-based): chr5:112,843,106, G>T. VCF-style: chr5-112843106-G-T. GRCh37 (hg19) VCF-style: chr5-112178803-G-T.
Other names: c.7437G>T, p.Trp2479Cys (NM_001354898.2); c.7428G>T, p.Trp2476Cys (NM_001354899.2); c.7389G>T, p.Trp2463Cys (NM_001354900.2); c.7335G>T, p.Trp2445Cys (NM_001354901.2, NM_001407453.1); c.7239G>T, p.Trp2413Cys (NM_001354902.2); c.7209G>T, p.Trp2403Cys (NM_001354903.2, NM_001407458.1, NM_001407459.1 and 1 more transcripts); c.7134G>T, p.Trp2378Cys (NM_001354904.2); c.7032G>T, p.Trp2344Cys (NM_001354905.2); and 11 more; short protein forms W2120C, W2221C, W2344C, W2375C, W2378C, W2403C, W2413C, W2421C.
Identifiers: ClinVar variation 4861834 (VCV004861834.1).